The following is an entry in ClinVar:

NM_001370466.1(NOD2):c.1403G>A (p.Cys468Tyr)

Gene: NOD2 (nucleotide binding oligomerization domain containing 2; plus strand). Cytogenetic location: 16q12.1.
Variant type: single nucleotide variant.
Coding change: c.1403G>A on transcript NM_001370466.1 (MANE Select); coding-DNA position 1403, G replaced by A.
Protein change: p.Cys468Tyr; replaces cysteine 468 with tyrosine.
Molecular consequence: missense variant. On other transcripts: non-coding transcript variant (1).
Genome position (GRCh38, 1-based): chr16:50,711,395, G>A. VCF-style: chr16-50711395-G-A. GRCh37 (hg19) VCF-style: chr16-50745306-G-A.
Other names: c.1484G>A (LRG_177t1); c.1403G>A, p.Cys468Tyr (NM_001293557.2); c.1484G>A, p.Cys495Tyr (NM_022162.3); short protein forms C495Y, C468Y.
Identifiers: ClinVar variation 97832 (VCV000097832.5), dbSNP rs104895478, ClinGen allele CA150211.

ClinVar aggregate classification (germline): Pathogenic. Review status: criteria provided, single submitter (1 of 4 stars). 2 submissions from 2 submitters: Pathogenic (1). 1 of the submissions does not count toward it. Last evaluated 2019-10-14.

Conditions:
Blau syndrome (BLAUS). Also called: ARTHROCUTANEOUVEAL GRANULOMATOSIS; GRANULOMATOSIS, FAMILIAL JUVENILE SYSTEMIC; GRANULOMATOSIS, FAMILIAL, BLAU TYPE; GRANULOMATOUS INFLAMMATORY ARTHRITIS, DERMATITIS, AND UVEITIS, FAMILIAL; JABS SYNDROME. Identifiers: Orphanet 90340, MedGen C5201146, MONDO:0008523, OMIM 186580.

Submissions (2):

Illumina Laboratory Services, Illumina
Classification: Pathogenic for Blau syndrome. Last evaluated: 2019-10-14. Review status: criteria provided, single submitter. Criteria: ICSLVariantClassificationCriteria RUGD 01 April 2020. Collection method: clinical testing. Allele origin: unknown.
Comment: The NOD2 c.1484G>A (p.Cys495Tyr) variant is a missense variant that has been reported in a heterozygous state in two unrelated individuals with Blau syndrome (Arostegui et al. 2007; Rose et al. 2009; Okafuji et al. 2009; Yasui et al. 2010). Li et al. (2017) identified a different heterozygous missense variant affecting the Cys495 residue, c.1483T>C resulting in p.Cys495Arg, in three cases from a cohort of 30 Chinese Han children with Blau syndrome. Control data are unavailable for the p.Cys495Tyr variant which is not found in the Genome Aggregation Database in a region of good sequence coverage, so the variant is presumed to be rare. Homology modelling of the NOD2 protein shows that the Cys495 residue lies within the HD1 region of the NOD2 NACHT domain, a region thought to be involved in the autoinhibition of NOD2 (Parkhouse et al. 2014). Heterologous expression of cDNA NOD2 constructs carrying the p.Cys495Tyr variant leads to an elevation of ligand independent NF kappa B activation compared to the wild type controls (Okafuji et al. 2009; Parkhouse et al. 2014). Based on the collective evidence and application of the ACMG criteria, the p.Cys495Tyr variant is classified as pathogenic for Blau syndrome.

Unité médicale des maladies autoinflammatoires, CHRU Montpellier
No classification provided. Condition: Sarcoidosis, early-onset. Review status: no classification provided. Collection method: not provided. Allele origin: unknown. Not counted in ClinVar's aggregate classification.
Comment: also involved in OMIM 186580 and 266600

Literature cited by the submitters: PubMed 17968944 (cited by Illumina Laboratory Services, Illumina); PubMed 19116920 (cited by Illumina Laboratory Services, Illumina); PubMed 19479837 (cited by Illumina Laboratory Services, Illumina); PubMed 20039400 (cited by Illumina Laboratory Services, Illumina); PubMed 25093298 (cited by Illumina Laboratory Services, Illumina); PubMed 28639104 (cited by Illumina Laboratory Services, Illumina).